The following is an entry in ClinVar:

NM_000143.4(FH):c.1051T>G (p.Ser351Ala)

Gene: FH (fumarate hydratase; minus strand). Cytogenetic location: 1q43.
Variant type: single nucleotide variant.
Coding change: c.1051T>G on transcript NM_000143.4 (MANE Select); coding-DNA position 1051, T replaced by G.
Protein change: p.Ser351Ala; replaces serine 351 with alanine.
Molecular consequence: missense variant.
Genome position (GRCh38, 1-based): chr1:241,504,099, A>C on the plus strand (T>G on the coding strand, the complement: FH is on the minus strand). VCF-style: chr1-241504099-A-C. GRCh37 (hg19) VCF-style: chr1-241667399-A-C.
Other names: short protein forms S351A.
Identifiers: ClinVar variation 653444 (VCV000653444.13), dbSNP rs766918221, ClinGen allele CA1478554.

ClinVar aggregate classification (germline): Uncertain significance. Review status: criteria provided, multiple submitters, no conflicts (2 of 4 stars). 3 submissions from 3 submitters: Uncertain significance (3). Last evaluated 2025-10-09.

Conditions:
Fumarase deficiency (FMRD). Also called: Fumaric aciduria; Fumarate Hydratase Deficiency. Identifiers: Orphanet 24, MedGen C0342770, MONDO:0011730, OMIM 606812.
Hereditary cancer-predisposing syndrome. Also called: Neoplastic Syndromes, Hereditary; Hereditary neoplastic syndrome; Hereditary Cancer Syndrome; Tumor predisposition. Identifiers: Orphanet 140162, MedGen C0027672, MeSH D009386, MONDO:0015356.

Allele frequency attached by ClinVar (database versions not stated): gnomAD exomes below 0.00001; ExAC 0.00001.

Submissions (3):

Labcorp Genetics (formerly Invitae), Labcorp
Classification: Uncertain significance. Last evaluated: 2025-10-09. Review status: criteria provided, single submitter. Criteria: Invitae Variant Classification Sherloc (09022015). Collection method: clinical testing. Allele origin: germline.
Comment: This sequence change replaces serine, which is neutral and polar, with alanine, which is neutral and non-polar, at codon 351 of the FH protein (p.Ser351Ala). This variant is present in population databases (rs766918221, gnomAD 0.0009%). This variant has not been reported in the literature in individuals affected with FH-related conditions. ClinVar contains an entry for this variant (Variation ID: 653444). Invitae Evidence Modeling of protein sequence and biophysical properties (such as structural, functional, and spatial information, amino acid conservation, physicochemical variation, residue mobility, and thermodynamic stability) indicates that this missense variant is not expected to disrupt FH protein function with a negative predictive value of 80%. In summary, the available evidence is currently insufficient to determine the role of this variant in disease. Therefore, it has been classified as a Variant of Uncertain Significance.

Ambry Genetics
Classification: Uncertain significance for Hereditary cancer-predisposing syndrome. Last evaluated: 2024-09-25. Review status: criteria provided, single submitter. Criteria: Ambry Variant Classification Scheme 2023. Collection method: clinical testing. Allele origin: germline.
Comment: The p.S351A variant (also known as c.1051T>G), located in coding exon 7 of the FH gene, results from a T to G substitution at nucleotide position 1051. The serine at codon 351 is replaced by alanine, an amino acid with similar properties. This amino acid position is highly conserved in available vertebrate species. In addition, this alteration is predicted to be deleterious by in silico analysis. Based on the available evidence, the clinical significance of this variant remains unclear.

Baylor Genetics
Classification: Uncertain significance for Fumarase deficiency. Last evaluated: 2023-06-07. Review status: criteria provided, single submitter. Criteria: ACMG Guidelines, 2015. Collection method: clinical testing. Allele origin: unknown.